The following is an entry in ClinVar:

ClinVar aggregate classification (germline): Uncertain significance (1 of 4 stars; one submission).

Conditions:
Polycystic kidney disease, adult type (PKD1). Also called: Polycystic Kidney Disease 1, Autosomal Dominant; Polycystic kidney disease 1; Polycystic kidney disease 1, severe; Polycystic Kidney, Autosomal Dominant; POLYCYSTIC KIDNEY DISEASE 1 WITH OR WITHOUT POLYCYSTIC LIVER DISEASE; POLYCYSTIC KIDNEY DISEASE, ADULT, TYPE I. Identifiers: MedGen C3149841, MONDO:0008263, OMIM 173900.

Submission:

MVZ Medizinische Genetik Mainz
Classification: Uncertain significance for Polycystic kidney disease, adult type. Last evaluated: 2025-05-06. Review status: criteria provided, single submitter. Criteria: UK Practice Guidelines For Variant Classification V4 01 2020. Collection method: clinical testing. Allele origin: germline. Inheritance: Autosomal dominant inheritance. Affected: yes. Observed: 1 variant allele.
Comment: ACMG Criteria: PM2_SUP,PP3,PP4

NM_001009944.3(PKD1):c.913T>G (p.Trp305Gly)

Gene: PKD1 (polycystin 1, transient receptor potential channel interacting; minus strand). Cytogenetic location: 16p13.3.
Variant type: single nucleotide variant.
Coding change: c.913T>G on transcript NM_001009944.3 (MANE Select); coding-DNA position 913, T replaced by G.
Protein change: p.Trp305Gly; replaces tryptophan 305 with glycine.
Molecular consequence: missense variant.
Genome position (GRCh38, 1-based): chr16:2,118,079, A>C on the plus strand (T>G on the coding strand, the complement: PKD1 is on the minus strand). VCF-style: chr16-2118079-A-C. GRCh37 (hg19) VCF-style: chr16-2168080-A-C.
Other names: c.913T>G, p.Trp305Gly (NM_000296.4); short protein forms W305G.
Identifiers: ClinVar variation 3900706 (VCV003900706.1).
Genomic context (GRCh38, chr16:2,118,079, plus strand): 5'-AGCGATGCGAGGCAGCCGGCCCAGCGGCATCCACCTCGGCGGAGCCGTCTCCGAAGTCCC[A>C]GCGTGTGGCAGTGACAGGGAGCGGGGCAGCGATGTGGAAGGCTGCTAGCTGGCCAGAGGC-3'
Protein context (NP_001009944.3, residues 295-315): AAPLPVTATR[Trp305Gly]DFGDGSAEVD